The following is an entry in ClinVar:

NM_006642.5(SDCCAG8):c.675+7A>G

Gene: SDCCAG8 (SHH signaling and ciliogenesis regulator SDCCAG8; plus strand). Cytogenetic location: 1q43.
Variant type: single nucleotide variant.
Coding change: c.675+7A>G on transcript NM_006642.5 (MANE Select); 7 bases into the intron after coding-DNA position 675, A replaced by G.
Molecular consequence: intron variant.
Genome position (GRCh38, 1-based): chr1:243,293,226, A>G. VCF-style: chr1-243293226-A-G. GRCh37 (hg19) VCF-style: chr1-243456528-A-G.
Other names: c.381+7A>G (NM_001350249.2); c.-699+7A>G (NM_001350251.2); c.675+7A>G (NM_001350248.2); c.-438+7A>G (NM_001350246.2); c.-326+7A>G (NM_001350247.2).
Identifiers: ClinVar variation 3346099 (VCV003346099.1).

ClinVar aggregate classification (germline): Likely benign (0 of 4 stars; one submission).

Conditions:
SDCCAG8-related disorder. Also called: SDCCAG8-Related Disorders; SDCCAG8-related condition.

gnomAD v4.1: 6 of 1,613,930 alleles (0.00037%); highest among the groups gnomAD compares: Non-Finnish European, 0.00051%; no homozygotes.

Submission:

PreventionGenetics, part of Exact Sciences
Classification: Likely benign for SDCCAG8-related condition. Last evaluated: 2024-08-29. Review status: no assertion criteria provided. Collection method: clinical testing. Allele origin: germline.
Comment: This variant is classified as likely benign based on ACMG/AMP sequence variant interpretation guidelines (Richards et al. 2015 PMID: 25741868, with internal and published modifications).